The following is an entry in ClinVar:

NM_005027.4(PIK3R2):c.595C>T (p.Arg199Trp)

Genes: PIK3R2 (phosphoinositide-3-kinase regulatory subunit 2; plus strand), LOC130063979 (ATAC-STARR-seq lymphoblastoid silent region 10375; plus strand). Cytogenetic location: 19p13.11.
Variant type: single nucleotide variant.
Coding change: c.595C>T on transcript NM_005027.4 (MANE Select); coding-DNA position 595, C replaced by T.
Protein change: p.Arg199Trp; replaces arginine 199 with tryptophan.
Molecular consequence: missense variant. On other transcripts: non-coding transcript variant (2).
Genome position (GRCh38, 1-based): chr19:18,161,182, C>T. VCF-style: chr19-18161182-C-T. GRCh37 (hg19) VCF-style: chr19-18271992-C-T.
Other names: c.595C>T (NM_005027.2); short protein forms R199W.
Identifiers: ClinVar variation 1954122 (VCV001954122.7), dbSNP rs775944558, ClinGen allele CA9306798.

ClinVar aggregate classification (germline): Uncertain significance. Review status: criteria provided, multiple submitters, no conflicts (2 of 4 stars). 2 submissions from 2 submitters: Uncertain significance (2). Last evaluated 2025-10-01.

Conditions:
Megalencephaly-polymicrogyria-postaxial polydactyly-hydrocephalus syndrome. Also called: MPPH Syndrome; MEG-PMG-MEGACC SYNDROME. Identifiers: Orphanet 83473, MedGen C1863924, MONDO:0019375.
Inborn genetic diseases. Identifiers: MedGen C0950123, MeSH D030342.

Allele frequency attached by ClinVar (database versions not stated): gnomAD exomes below 0.00001; gnomAD 0.00001; TOPMed 0.00001.
gnomAD v4.1: 11 of 1,545,536 alleles (0.00071%); highest among the groups gnomAD compares: Admixed American, 0.0059%; no homozygotes.

Submissions (2):

Labcorp Genetics (formerly Invitae), Labcorp
Classification: Uncertain significance for Megalencephaly-polymicrogyria-postaxial polydactyly-hydrocephalus syndrome. Last evaluated: 2025-10-01. Review status: criteria provided, single submitter. Criteria: Invitae Variant Classification Sherloc (09022015). Collection method: clinical testing. Allele origin: germline.
Comment: This sequence change replaces arginine, which is basic and polar, with tryptophan, which is neutral and slightly polar, at codon 199 of the PIK3R2 protein (p.Arg199Trp). The frequency data for this variant in the population databases is considered unreliable, as metrics indicate poor data quality at this position in the gnomAD database. This variant has not been reported in the literature in individuals affected with PIK3R2-related conditions. ClinVar contains an entry for this variant (Variation ID: 1954122). Invitae Evidence Modeling of protein sequence and biophysical properties (such as structural, functional, and spatial information, amino acid conservation, physicochemical variation, residue mobility, and thermodynamic stability) indicates that this missense variant is not expected to disrupt PIK3R2 protein function with a negative predictive value of 95%. In summary, the available evidence is currently insufficient to determine the role of this variant in disease. Therefore, it has been classified as a Variant of Uncertain Significance.

Ambry Genetics
Classification: Uncertain significance for Inborn genetic diseases. Last evaluated: 2023-03-01. Review status: criteria provided, single submitter. Criteria: Ambry Variant Classification Scheme 2023. Collection method: clinical testing. Allele origin: germline.